The following is an entry in ClinVar:

ClinVar aggregate classification (germline): Uncertain significance (1 of 4 stars; one submission).

gnomAD v4.1: 15 of 1,611,604 alleles (0.00093%); highest among the groups gnomAD compares: Non-Finnish European, 0.0013%; no homozygotes.

Submission:

Labcorp Genetics (formerly Invitae), Labcorp
Classification: Uncertain significance. Last evaluated: 2024-12-12. Review status: criteria provided, single submitter. Criteria: Invitae Variant Classification Sherloc (09022015). Collection method: clinical testing. Allele origin: germline.
Comment: This sequence change replaces valine, which is neutral and non-polar, with methionine, which is neutral and non-polar, at codon 77 of the COL7A1 protein (p.Val77Met). This variant is present in population databases (rs531066928, gnomAD 0.002%). This variant has not been reported in the literature in individuals affected with COL7A1-related conditions. Invitae Evidence Modeling of protein sequence and biophysical properties (such as structural, functional, and spatial information, amino acid conservation, physicochemical variation, residue mobility, and thermodynamic stability) indicates that this missense variant is not expected to disrupt COL7A1 protein function with a negative predictive value of 95%. In summary, the available evidence is currently insufficient to determine the role of this variant in disease. Therefore, it has been classified as a Variant of Uncertain Significance.

NM_000094.4(COL7A1):c.229G>A (p.Val77Met)

Gene: COL7A1 (collagen type VII alpha 1 chain; minus strand). Cytogenetic location: 3p21.31.
Variant type: single nucleotide variant.
Coding change: c.229G>A on transcript NM_000094.4 (MANE Select); coding-DNA position 229, G replaced by A.
Protein change: p.Val77Met; replaces valine 77 with methionine.
Molecular consequence: missense variant.
Genome position (GRCh38, 1-based): chr3:48,594,405, C>T on the plus strand (G>A on the coding strand, the complement: COL7A1 is on the minus strand). VCF-style: chr3-48594405-C-T. GRCh37 (hg19) VCF-style: chr3-48631838-C-T.
Other names: short protein forms V77M.
Identifiers: ClinVar variation 3710551 (VCV003710551.2).